The following is an entry in ClinVar:

ClinVar aggregate classification (germline): Likely benign (1 of 4 stars; one submission).

gnomAD v4.1: 529 of 1,207,002 alleles (0.044%); highest among the groups gnomAD compares: African/African-American, 0.81%; 3 homozygotes.

Submission:

Women's Health and Genetics/Laboratory Corporation of America, LabCorp
Classification: Likely benign. Last evaluated: 2026-02-05. Review status: criteria provided, single submitter. Criteria: LabCorp Variant Classification Summary - May 2015. Collection method: clinical testing. Allele origin: germline.
Comment: Variant summary: SASH3 c.718G>A (p.Ala240Thr) results in a non-conservative amino acid change in the encoded protein sequence. Algorithms developed to predict the effect of missense changes on protein structure and function are either unavailable or do not agree on the potential impact of this missense change. The variant allele was found at a frequency of 0.00073 in 179062 control chromosomes, predominantly at a frequency of 0.0088 within the African or African-American subpopulation in the gnomAD database, including 1 homozygotes. The observed variant frequency within African or African-American control individuals in the gnomAD database exceeds the estimated maximal expected allele frequency for disease-causing variants in SASH3. To our knowledge, no occurrence of c.718G>A in individuals affected with SASH3-related conditions and no experimental evidence demonstrating its impact on protein function have been reported. No submitters have cited clinical-significance assessments for this variant to ClinVar. Based on the evidence outlined above, the variant was classified as likely benign.

NM_018990.4(SASH3):c.718G>A (p.Ala240Thr)

Gene: SASH3 (SAM and SH3 domain containing 3; plus strand). Cytogenetic location: Xq26.1.
Variant type: single nucleotide variant.
Coding change: c.718G>A on transcript NM_018990.4 (MANE Select); coding-DNA position 718, G replaced by A.
Protein change: p.Ala240Thr; replaces alanine 240 with threonine.
Molecular consequence: missense variant.
Genome position (GRCh38, 1-based): chrX:129,792,753, G>A. VCF-style: chrX-129792753-G-A. GRCh37 (hg19) VCF-style: chrX-128926729-G-A.
Other names: short protein forms A240T.
Identifiers: ClinVar variation 4689785 (VCV004689785.2).